The following is an entry in ClinVar:

ClinVar aggregate classification (germline): Uncertain significance (1 of 4 stars; one submission).

Conditions:
Early Myoclonic Encephalopathy. Identifiers: MedGen C0270855.

Allele frequency attached by ClinVar (database versions not stated): gnomAD exomes 0.00001 and below 0.00001; TOPMed below 0.00001; ExAC 0.00001; gnomAD 0.00001.
gnomAD v4.1: 7 of 1,613,764 alleles (0.00043%); highest among the groups gnomAD compares: Non-Finnish European, 0.00059%; no homozygotes.

Submission:

Labcorp Genetics (formerly Invitae), Labcorp
Classification: Uncertain significance for Early Myoclonic Encephalopathy. Last evaluated: 2024-10-15. Review status: criteria provided, single submitter. Criteria: Invitae Variant Classification Sherloc (09022015). Collection method: clinical testing. Allele origin: germline.
Comment: This sequence change replaces asparagine, which is neutral and polar, with aspartic acid, which is acidic and polar, at codon 1099 of the JMJD1C protein (p.Asn1099Asp). This variant is present in population databases (rs747004650, gnomAD 0.0009%). This variant has not been reported in the literature in individuals affected with JMJD1C-related conditions. ClinVar contains an entry for this variant (Variation ID: 460237). Invitae Evidence Modeling of protein sequence and biophysical properties (such as structural, functional, and spatial information, amino acid conservation, physicochemical variation, residue mobility, and thermodynamic stability) indicates that this missense variant is expected to disrupt JMJD1C protein function with a positive predictive value of 80%. In summary, the available evidence is currently insufficient to determine the role of this variant in disease. Therefore, it has been classified as a Variant of Uncertain Significance.

NM_032776.3(JMJD1C):c.3295A>G (p.Asn1099Asp)

Gene: JMJD1C (jumonji domain containing 1C; minus strand). Cytogenetic location: 10q21.3.
Variant type: single nucleotide variant.
Coding change: c.3295A>G on transcript NM_032776.3 (MANE Select); coding-DNA position 3295, A replaced by G.
Protein change: p.Asn1099Asp; replaces asparagine 1099 with aspartic acid.
Molecular consequence: missense variant. On other transcripts: non-coding transcript variant (1).
Genome position (GRCh38, 1-based): chr10:63,208,374, T>C on the plus strand (A>G on the coding strand, the complement: JMJD1C is on the minus strand). VCF-style: chr10-63208374-T-C. GRCh37 (hg19) VCF-style: chr10-64968134-T-C.
Other names: c.2749A>G, p.Asn917Asp (NM_001282948.2, NM_001318154.2); c.2431A>G, p.Asn811Asp (NM_001318153.2); c.3181A>G, p.Asn1061Asp (NM_001322252.2); c.2638A>G, p.Asn880Asp (NM_001322254.2, NM_001322258.2); short protein forms N1099D, N1061D, N880D, N917D, N811D.
Identifiers: ClinVar variation 460237 (VCV000460237.8), dbSNP rs747004650, ClinGen allele CA5518459.